The following is an entry in ClinVar:

ClinVar aggregate classification (germline): Uncertain significance (1 of 4 stars; one submission).

Conditions:
Long QT syndrome (LQTS). Identifiers: MedGen C0023976, MeSH D008133, MONDO:0002442. Disease mechanism: loss of function. Inheritance: Various modes of inheritance.

Submission:

Labcorp Genetics (formerly Invitae), Labcorp
Classification: Uncertain significance for Long QT syndrome. Last evaluated: 2020-07-16. Review status: criteria provided, single submitter. Criteria: Invitae Variant Classification Sherloc (09022015). Collection method: clinical testing. Allele origin: germline.
Comment: In summary, the available evidence is currently insufficient to determine the role of this variant in disease. Therefore, it has been classified as a Variant of Uncertain Significance. Algorithms developed to predict the effect of missense changes on protein structure and function (SIFT, PolyPhen-2, Align-GVGD) all suggest that this variant is likely to be tolerated, but these predictions have not been confirmed by published functional studies and their clinical significance is uncertain. This sequence change replaces arginine with threonine at codon 863 of the ANK2 protein (p.Arg863Thr). The arginine residue is highly conserved and there is a moderate physicochemical difference between arginine and threonine. This variant is not present in population databases (ExAC no frequency). This variant has not been reported in the literature in individuals with ANK2-related conditions.

NM_001148.6(ANK2):c.2588G>C (p.Arg863Thr)

Gene: ANK2 (ankyrin 2; plus strand). Cytogenetic location: 4q26.
Variant type: single nucleotide variant.
Coding change: c.2588G>C on transcript NM_001148.6 (MANE Select); coding-DNA position 2588, G replaced by C.
Protein change: p.Arg863Thr; replaces arginine 863 with threonine.
Molecular consequence: missense variant.
Genome position (GRCh38, 1-based): chr4:113,311,294, G>C. VCF-style: chr4-113311294-G-C. GRCh37 (hg19) VCF-style: chr4-114232450-G-C.
Other names: c.2525G>C, p.Arg842Thr (NM_001127493.3, NM_001354239.2, NM_001354243.2 and 10 more transcripts); c.2588G>C, p.Arg863Thr (NM_001354225.2, NM_001354228.2, NM_001354232.2 and 6 more transcripts); c.2633G>C, p.Arg878Thr (NM_001354230.2, NM_001354231.2, NM_001354237.2 and 5 more transcripts); c.2489G>C, p.Arg830Thr (NM_001354245.2, NM_001354268.2); c.2501G>C, p.Arg834Thr (NM_001354249.2, NM_001354264.2, NM_001354266.2 and 10 more transcripts); c.2426G>C, p.Arg809Thr (NM_001354253.2, NM_001354257.2, NM_001354270.2 and 1 more transcripts); c.2402G>C, p.Arg801Thr (NM_001354260.2, NM_001354271.2, NM_001386151.1); c.2546G>C, p.Arg849Thr (NM_001354261.2, NM_001386147.1, NM_001386160.1); and 9 more; short protein forms R842T, R849T, R851T, R859T, R863T, R878T, R890T, R898T.
Identifiers: ClinVar variation 1000090 (VCV001000090.5), dbSNP rs1400444798, ClinGen allele CA357926944.
Genomic context (GRCh38, chr4:113,311,294, plus strand): 5'-TCTTCCTCTGATTGTTTCAAGGTGATGACACAATGACTGGTGATGGGGGAGAATACCTTA[G>C]GCCTGAGGACCTAAAAGAACTGGGTGATGACTCACTACCCAGCAGTCAGTTCCTGGATGG-3'
Protein context (NP_001139.3, residues 853-873): TMTGDGGEYL[Arg863Thr]PEDLKELGDD